The following is an entry in ClinVar:

ClinVar aggregate classification (germline): Likely benign. Review status: criteria provided, multiple submitters, no conflicts (2 of 4 stars). 7 submissions from 7 submitters: Likely benign (6). 1 of the submissions does not count toward it. Last evaluated 2026-01-31.

Conditions:
MUTYH-related disorder. Also called: MUTYH-related condition; MUTYH-related disorders.
Hereditary cancer-predisposing syndrome. Also called: Tumor predisposition; Neoplastic Syndromes, Hereditary; Hereditary neoplastic syndrome; Hereditary Cancer Syndrome. Identifiers: Orphanet 140162, MedGen C0027672, MeSH D009386, MONDO:0015356.
Familial adenomatous polyposis 2. Also called: MUTYH-related attenuated familial adenomatous polyposis; MUTYH-associated polyposis; MUTYH Polyposis; COLORECTAL ADENOMATOUS POLYPOSIS, AUTOSOMAL RECESSIVE; ADENOMAS, MULTIPLE COLORECTAL, AUTOSOMAL RECESSIVE; MYH-associated polyposis. Identifiers: Orphanet 220460, Orphanet 247798, MedGen C3272841, MONDO:0012041, OMIM 608456.

Allele frequency attached by ClinVar (database versions not stated): gnomAD 0.00001; TOPMed 0.00002; gnomAD exomes 0.00004.
gnomAD v4.1: 59 of 1,614,030 alleles (0.0037%); highest among the groups gnomAD compares: Non-Finnish European, 0.005%; no homozygotes.

Submissions (7):

Labcorp Genetics (formerly Invitae), Labcorp
Classification: Likely benign for Familial adenomatous polyposis 2. Last evaluated: 2026-01-31. Review status: criteria provided, single submitter. Criteria: Invitae Variant Classification Sherloc (09022015). Collection method: clinical testing. Allele origin: germline.

All of Us Research Program, National Institutes of Health
Classification: Likely benign for Familial adenomatous polyposis 2. Last evaluated: 2024-02-05. Review status: criteria provided, single submitter. Criteria: ACMG Guidelines, 2015. Collection method: clinical testing. Allele origin: germline. Inheritance: Autosomal recessive inheritance. Observed: 11 variant alleles, 11 heterozygotes.
Comment: This study involves interpretation of variants in research participants for the purpose of population health screening. Participant phenotype was not available at the time of variant classification. Additional details can be found in publication PMID: 35346344, PMCID: PMC8962531

Women's Health and Genetics/Laboratory Corporation of America, LabCorp
Classification: Likely benign. Last evaluated: 2020-01-31. Review status: criteria provided, single submitter. Criteria: LabCorp Variant Classification Summary - May 2015. Collection method: clinical testing. Allele origin: germline.

GeneDx
Classification: Likely benign. Last evaluated: 2019-04-25. Review status: criteria provided, single submitter. Criteria: GeneDx Variant Classification Process June 2021. Collection method: clinical testing. Allele origin: germline. Affected: yes.

Color Diagnostics, LLC DBA Color Health
Classification: Likely benign for Hereditary cancer-predisposing syndrome. Last evaluated: 2016-06-15. Review status: criteria provided, single submitter. Criteria: ACMG Guidelines, 2015. Collection method: clinical testing. Allele origin: germline.

Ambry Genetics
Classification: Likely benign for Hereditary cancer-predisposing syndrome. Last evaluated: 2014-10-13. Review status: criteria provided, single submitter. Criteria: Ambry Variant Classification Scheme 2023. Collection method: clinical testing. Allele origin: germline.

PreventionGenetics, part of Exact Sciences
Classification: Likely benign for MUTYH-related condition. Last evaluated: 2020-02-14. Review status: no assertion criteria provided. Collection method: clinical testing. Allele origin: germline. Not counted in ClinVar's aggregate classification.
Comment: This variant is classified as likely benign based on ACMG/AMP sequence variant interpretation guidelines (Richards et al. 2015 PMID: 25741868, with internal and published modifications).

NM_001048174.2(MUTYH):c.573A>C (p.Thr191=)

Gene: MUTYH (mutY DNA glycosylase; minus strand). Cytogenetic location: 1p34.1.
Variant type: single nucleotide variant.
Coding change: c.573A>C on transcript NM_001048174.2 (MANE Select); coding-DNA position 573, A replaced by C.
Protein change: p.Thr191=; no amino-acid change (threonine 191 retained).
Molecular consequence: synonymous variant. On other transcripts: non-coding transcript variant (2).
Genome position (GRCh38, 1-based): chr1:45,332,607, T>G on the plus strand (A>C on the coding strand, the complement: MUTYH is on the minus strand). VCF-style: chr1-45332607-T-G. GRCh37 (hg19) VCF-style: chr1-45798279-T-G.
Other names: c.573A>C, p.Thr191= (NM_001048171.2, NM_001048173.2, NM_001293195.2); c.576A>C, p.Thr192= (NM_001048172.2); c.657A>C, p.Thr219= (NM_001128425.2); c.618A>C, p.Thr206= (NM_001293190.2); c.606A>C, p.Thr202= (NM_001293191.2); c.297A>C, p.Thr99= (NM_001293192.2, NM_001293196.2); c.228A>C, p.Thr76= (NM_001350650.2, NM_001350651.2); c.648A>C, p.Thr216= (NM_012222.3).
Identifiers: ClinVar variation 183989 (VCV000183989.24), dbSNP rs778014929, ClinGen allele CA014061.